The following is an entry in ClinVar:

ClinVar aggregate classification (germline): Conflicting classifications of pathogenicity. Review status: criteria provided, conflicting classifications (1 of 4 stars). 5 submissions from 5 submitters: Pathogenic (1); Likely pathogenic (1); Uncertain significance (2). 1 of the submissions does not count toward it. Last evaluated 2026-01-14.

Conditions:
Cardiovascular phenotype. Identifiers: MedGen CN230736.
Lethal congenital glycogen storage disease of heart. Also called: GLYCOGEN STORAGE DISEASE OF HEART; PHOSPHORYLASE KINASE DEFICIENCY OF HEART. Identifiers: Orphanet 439854, MedGen C1849813, MONDO:0009867, OMIM 261740.
Hypertrophic cardiomyopathy 6. Identifiers: MedGen C1833236, MONDO:0010946, OMIM 600858.
Cardiomyopathy (CMYO). Also called: Cardiomyopathies. Identifiers: Orphanet 167848, MedGen C0878544, MONDO:0004994, HP:0001638. Inheritance: Various modes of inheritance.

Allele frequency attached by ClinVar (database versions not stated): gnomAD exomes below 0.00001.
gnomAD v4.1: 1 of 1,614,150 alleles (0.000062%); highest among the groups gnomAD compares: African/African-American, 0.0013%; no homozygotes.

Submissions (5):

Labcorp Genetics (formerly Invitae), Labcorp
Classification: Pathogenic for Lethal congenital glycogen storage disease of heart. Last evaluated: 2026-01-14. Review status: criteria provided, single submitter. Criteria: Invitae Variant Classification Sherloc (09022015). Collection method: clinical testing. Allele origin: germline.
Comment: This sequence change replaces tyrosine, which is neutral and polar, with histidine, which is basic and polar, at codon 487 of the PRKAG2 protein (p.Tyr487His). This variant is not present in population databases (gnomAD no frequency). This missense change has been observed in individuals with hypertrophic cardiomyopathy (PMID: 15673802, 32746448; internal data). ClinVar contains an entry for this variant (Variation ID: 6853). Invitae Evidence Modeling of protein sequence and biophysical properties (such as structural, functional, and spatial information, amino acid conservation, physicochemical variation, residue mobility, and thermodynamic stability) indicates that this missense variant is expected to disrupt PRKAG2 protein function with a positive predictive value of 95%. For these reasons, this variant has been classified as Pathogenic.

Ambry Genetics
Classification: Uncertain significance for Cardiovascular phenotype. Last evaluated: 2024-12-13. Review status: criteria provided, single submitter. Criteria: Ambry Variant Classification Scheme 2023. Collection method: clinical testing. Allele origin: germline.
Comment: The p.Y487H variant (also known as c.1459T>C), located in coding exon 14 of the PRKAG2 gene, results from a T to C substitution at nucleotide position 1459. The tyrosine at codon 487 is replaced by histidine, an amino acid with similar properties. This alteration has been reporting in a hypertrophic cardiomyopathy (HCM) cohort in two family members with borderline left ventricular wall thickness and a shortened PR interval on electrocardiogram (ECG) (Arad M et al. N Engl J Med, 2005 Jan;352:362-72). This amino acid position is highly conserved in available vertebrate species. In addition, this alteration is predicted to be deleterious by in silico analysis. Since supporting evidence is limited at this time, the clinical significance of this alteration remains unclear.

GeneDx
Classification: Uncertain significance. Last evaluated: 2022-06-23. Review status: criteria provided, single submitter. Criteria: GeneDx Variant Classification Process June 2021. Collection method: clinical testing. Allele origin: germline. Affected: yes.
Comment: Reported as pathogenic in 1/338 children with HCM or DCM, however, the patient also harbored an SCN1A variant (Burstein et al., 2021); Not observed at significant frequency in large population cohorts (gnomAD); In silico analysis supports that this missense variant has a deleterious effect on protein structure/function; This variant is associated with the following publications: (PMID: 26729852, 28550180, 23778007, 17332438, 15877279, 29593177, 25997934, 25422142, 28431061, 16275868, 32746448, 15673802)

Women's Health and Genetics/Laboratory Corporation of America, LabCorp
Classification: Likely pathogenic for Cardiomyopathy. Last evaluated: 2018-07-19. Review status: criteria provided, single submitter. Criteria: LabCorp Variant Classification Summary - May 2015. Collection method: clinical testing. Allele origin: germline.
Comment: Variant summary: PRKAG2 c.1459T>C (p.Tyr487His) results in a conservative amino acid change located in the CBS domain of the encoded protein sequence. Four of five in-silico tools predict a damaging effect of the variant on protein function. The variant was absent in 246266 control chromosomes (gnomAD). The variant, c.1459T>C, has been reported in the literature in a family with two affected siblings. These data indicate that the variant may be associated with disease. To our knowledge, no experimental evidence demonstrating an impact on protein function has been reported. A ClinVar submission from a clinical diagnostic laboratory (evaluation after 2014) cites the variant as "pathogenic." Zhang_2013 indicates "Mutations recognized thus far include His142Arg, Arg302Gln, His383Arg, Thr400Asn,Tyr487His, Asn488Ile, Gln506Lys, Arg531Gly, Ser548Pro, andInsLeu351 [210]. These mutations invariably cluster within theBateman domain [the region defined as the cystathionine beta-synthase (CBS) domains] of the PRKAG2 gene." Therefore, suggesting the domain is important for proper PRKAG2 protein function. Based on the evidence outlined above, the variant was classified as likely pathogenic.

OMIM
Classification: Pathogenic for CARDIOMYOPATHY, FAMILIAL HYPERTROPHIC, 6. Last evaluated: 2005-01-27. Review status: no assertion criteria provided. Collection method: literature only. Allele origin: germline. Not counted in ClinVar's aggregate classification.

Literature cited by the submitters: PubMed 15673802 (cited by 4 submitters); PubMed 32746448 (cited by Labcorp Genetics (formerly Invitae), Labcorp and Ambry Genetics); PubMed 23992123 (cited by Women's Health and Genetics/Laboratory Corporation of America, LabCorp).

NM_016203.4(PRKAG2):c.1459T>C (p.Tyr487His)

Gene: PRKAG2 (protein kinase AMP-activated non-catalytic subunit gamma 2; minus strand). Cytogenetic location: 7q36.1.
Variant type: single nucleotide variant.
Coding change: c.1459T>C on transcript NM_016203.4 (MANE Select); coding-DNA position 1459, T replaced by C.
Protein change: p.Tyr487His; replaces tyrosine 487 with histidine.
Molecular consequence: missense variant.
Genome position (GRCh38, 1-based): chr7:151,564,203, A>G on the plus strand (T>C on the coding strand, the complement: PRKAG2 is on the minus strand). VCF-style: chr7-151564203-A-G. GRCh37 (hg19) VCF-style: chr7-151261289-A-G.
Other names: p.Y487H:TAC>CAC; c.1327T>C, p.Tyr443His (NM_001040633.2); c.1084T>C, p.Tyr362His (NM_001304527.2); c.736T>C, p.Tyr246His (NM_001304531.2, NM_024429.2); c.1087T>C, p.Tyr363His (NM_001363698.2); short protein forms Y487H, Y362H, Y246H, Y363H, Y443H.
Identifiers: ClinVar variation 6853 (VCV000006853.18), dbSNP rs267606976, ClinGen allele CA013786.